The following is an entry in ClinVar:

ClinVar aggregate classification (germline): Uncertain significance (1 of 4 stars; one submission).

Conditions:
Gastrointestinal stromal tumor. Also called: Gastrointestinal stroma tumor; Gastrointestinal stromal tumor, somatic. Identifiers: Orphanet 44890, MedGen C0238198, MeSH D046152, MONDO:0011719, OMIM 606764, HP:0100723.

Allele frequency attached by ClinVar (database versions not stated): ExAC 0.00001; TOPMed 0.00001.

Submission:

Labcorp Genetics (formerly Invitae), Labcorp
Classification: Uncertain significance for Gastrointestinal stromal tumor. Last evaluated: 2024-04-16. Review status: criteria provided, single submitter. Criteria: Invitae Variant Classification Sherloc (09022015). Collection method: clinical testing. Allele origin: germline.
Comment: This sequence change replaces tyrosine, which is neutral and polar, with histidine, which is basic and polar, at codon 570 of the KIT protein (p.Tyr570His). This variant is present in population databases (rs774872724, gnomAD 0.007%). This variant has not been reported in the literature in individuals affected with KIT-related conditions. ClinVar contains an entry for this variant (Variation ID: 1983816). An algorithm developed to predict the effect of missense changes on protein structure and function (PolyPhen-2) suggests that this variant is likely to be disruptive. In summary, the available evidence is currently insufficient to determine the role of this variant in disease. Therefore, it has been classified as a Variant of Uncertain Significance.

NM_000222.3(KIT):c.1708T>C (p.Tyr570His)

Gene: KIT (KIT proto-oncogene, receptor tyrosine kinase; plus strand). Cytogenetic location: 4q12.
Variant type: single nucleotide variant.
Coding change: c.1708T>C on transcript NM_000222.3 (MANE Select); coding-DNA position 1708, T replaced by C.
Protein change: p.Tyr570His; replaces tyrosine 570 with histidine.
Molecular consequence: missense variant.
Genome position (GRCh38, 1-based): chr4:54,727,476, T>C. VCF-style: chr4-54727476-T-C. GRCh37 (hg19) VCF-style: chr4-55593642-T-C.
Other names: c.1696T>C, p.Tyr566His (NM_001093772.2, NM_001385286.1); c.1711T>C, p.Tyr571His (NM_001385284.1, NM_001385290.1); c.1708T>C, p.Tyr570His (NM_001385285.1); c.1699T>C, p.Tyr567His (NM_001385288.1, NM_001385292.1); short protein forms Y566H, Y570H, Y567H, Y571H.
Identifiers: ClinVar variation 1983816 (VCV001983816.4), dbSNP rs774872724, ClinGen allele CA2923564.
Genomic context (GRCh38, chr4:54,727,476, plus strand): 5'-AAACCCATGTATGAAGTACAGTGGAAGGTTGTTGAGGAGATAAATGGAAACAATTATGTT[T>C]ACATAGACCCAACACAACTTCCTTATGATCACAAATGGGAGTTTCCCAGAAACAGGCTGA-3'
Protein context (NP_000213.1, residues 560-580): VEEINGNNYV[Tyr570His]IDPTQLPYDH